The following is an entry in ClinVar:

NM_017775.4(TTC19):c.1034T>C (p.Leu345Pro)

Gene: TTC19 (tetratricopeptide repeat domain 19; plus strand). Cytogenetic location: 17p12.
Variant type: single nucleotide variant.
Coding change: c.1034T>C on transcript NM_017775.4 (MANE Select); coding-DNA position 1034, T replaced by C.
Protein change: p.Leu345Pro; replaces leucine 345 with proline.
Molecular consequence: missense variant.
Genome position (GRCh38, 1-based): chr17:16,027,413, T>C. VCF-style: chr17-16027413-T-C. GRCh37 (hg19) VCF-style: chr17-15930727-T-C.
Other names: c.713T>C, p.Leu238Pro (NM_001271420.2); short protein forms L238P, L345P.
Identifiers: ClinVar variation 3372368 (VCV003372368.1).

ClinVar aggregate classification (germline): Uncertain significance (1 of 4 stars; one submission).

gnomAD v4.1: 1 of 1,613,984 alleles (0.000062%); highest among the groups gnomAD compares: African/African-American, 0.0013%; no homozygotes.

Submission:

GeneDx
Classification: Uncertain significance. Last evaluated: 2024-04-11. Review status: criteria provided, single submitter. Criteria: GeneDx Variant Classification Process June 2021. Collection method: clinical testing. Allele origin: germline. Affected: yes.
Comment: Not observed at significant frequency in large population cohorts (gnomAD); In silico analysis supports that this missense variant has a deleterious effect on protein structure/function; Has not been previously published as pathogenic or benign to our knowledge